The following is an entry in ClinVar:

NM_001318852.2(MAPK8IP3):c.3807T>C (p.Ala1269=)

Gene: MAPK8IP3 (mitogen-activated protein kinase 8 interacting protein 3; plus strand). Cytogenetic location: 16p13.3.
Variant type: single nucleotide variant.
Coding change: c.3807T>C on transcript NM_001318852.2 (MANE Select); coding-DNA position 3807, T replaced by C.
Protein change: p.Ala1269=; no amino-acid change (alanine 1269 retained).
Molecular consequence: synonymous variant.
Genome position (GRCh38, 1-based): chr16:1,768,541, T>C. VCF-style: chr16-1768541-T-C. GRCh37 (hg19) VCF-style: chr16-1818542-T-C.
Other names: c.3786T>C, p.Ala1262= (NM_001040439.2); c.3804T>C, p.Ala1268= (NM_015133.5).
Identifiers: ClinVar variation 3772235 (VCV003772235.13).

ClinVar aggregate classification (germline): Likely benign (1 of 4 stars; one submission).

Submission:

CeGaT Center for Human Genetics Tuebingen
Classification: Likely benign. Last evaluated: 2025-01-01. Review status: criteria provided, single submitter. Criteria: CeGaT Center For Human Genetics Tuebingen Variant Classification Criteria Version 2. Collection method: clinical testing. Allele origin: germline. Affected: yes. Observed: 1 variant allele.
Comment: MAPK8IP3: PM2:Supporting, BP4, BP7